The following is an entry in ClinVar:

ClinVar aggregate classification (germline): Uncertain significance. Review status: criteria provided, multiple submitters, no conflicts (2 of 4 stars). 3 submissions from 3 submitters: Uncertain significance (3). Last evaluated 2023-11-01.

Conditions:
Dilated cardiomyopathy 2B. Identifiers: Orphanet 154, MedGen C3553409, MONDO:0013848, OMIM 614672.
Cardiovascular phenotype. Identifiers: MedGen CN230736.

Allele frequency attached by ClinVar (database versions not stated): gnomAD exomes below 0.00001.
gnomAD v4.1: 2 of 1,609,066 alleles (0.00012%); highest among the groups gnomAD compares: Admixed American, 0.0017%; no homozygotes.

Submissions (3):

Ambry Genetics
Classification: Uncertain significance for Cardiovascular phenotype. Last evaluated: 2023-11-01. Review status: criteria provided, single submitter. Criteria: Ambry Variant Classification Scheme 2023. Collection method: clinical testing. Allele origin: germline.
Comment: The p.I137M variant (also known as c.411C>G), located in coding exon 3 of the GATAD1 gene, results from a C to G substitution at nucleotide position 411. The isoleucine at codon 137 is replaced by methionine, an amino acid with highly similar properties. This amino acid position is conserved. In addition, the in silico prediction for this alteration is inconclusive. Since supporting evidence is limited at this time, the clinical significance of this alteration remains unclear.

Labcorp Genetics (formerly Invitae), Labcorp
Classification: Uncertain significance for Dilated cardiomyopathy 2B. Last evaluated: 2022-09-07. Review status: criteria provided, single submitter. Criteria: Invitae Variant Classification Sherloc (09022015). Collection method: clinical testing. Allele origin: germline.
Comment: This sequence change replaces isoleucine, which is neutral and non-polar, with methionine, which is neutral and non-polar, at codon 137 of the GATAD1 protein (p.Ile137Met). In summary, the available evidence is currently insufficient to determine the role of this variant in disease. Therefore, it has been classified as a Variant of Uncertain Significance. Algorithms developed to predict the effect of missense changes on protein structure and function are either unavailable or do not agree on the potential impact of this missense change (SIFT: "Tolerated"; PolyPhen-2: "Possibly Damaging"; Align-GVGD: "Class C0"). ClinVar contains an entry for this variant (Variation ID: 1503551). This variant has not been reported in the literature in individuals affected with GATAD1-related conditions. This variant is present in population databases (no rsID available, gnomAD 0.003%).

Fulgent Genetics
Classification: Uncertain significance for Dilated cardiomyopathy 2B. Last evaluated: 2021-09-01. Review status: criteria provided, single submitter. Criteria: ACMG Guidelines, 2015. Collection method: clinical testing. Allele origin: unknown.

NM_021167.5(GATAD1):c.411C>G (p.Ile137Met)

Gene: GATAD1 (GATA zinc finger domain containing 1; plus strand). Cytogenetic location: 7q21.2.
Variant type: single nucleotide variant.
Coding change: c.411C>G on transcript NM_021167.5 (MANE Select); coding-DNA position 411, C replaced by G.
Protein change: p.Ile137Met; replaces isoleucine 137 with methionine.
Molecular consequence: missense variant. On other transcripts: non-coding transcript variant (1).
Genome position (GRCh38, 1-based): chr7:92,450,736, C>G. VCF-style: chr7-92450736-C-G. GRCh37 (hg19) VCF-style: chr7-92080050-C-G.
Other names: c.411C>G (NM_021167.3); short protein forms I137M.
Identifiers: ClinVar variation 1503551 (VCV001503551.10), dbSNP rs1157446233, ClinGen allele CA368158104.
Genomic context (GRCh38, chr7:92,450,736, plus strand): 5'-GCTAATGTTTTTTGTATTTTCATAGCCCATCAAAGCTCCTGAGTCAGTTTCCACTATAAT[C>G]ACTGCAGAATCAATCTTCTACAAGGTAAGCTTTTGTAGAGTTACTGAAGGAAGAGTTGGG-3'
Protein context (NP_066990.3, residues 127-147): IKAPESVSTI[Ile137Met]TAESIFYKGV